The following is an entry in ClinVar:

NM_000344.4(SMN1):c.842G>C (p.Arg281Thr)

Gene: SMN1 (survival of motor neuron 1, telomeric). Cytogenetic location: 5q13.2.
Variant type: single nucleotide variant.
Coding change: c.842G>C on transcript NM_000344.4 (MANE Select); coding-DNA position 842, G replaced by C.
Protein change: p.Arg281Thr; replaces arginine 281 with threonine.
Molecular consequence: missense variant. On other transcripts: intron variant (1).
Genome position (GRCh38, 1-based): chr5:70,951,948, G>C. VCF-style: chr5-70951948-G-C. GRCh37 (hg19) VCF-style: chr5-70247775-G-C.
Other names: c.746G>C, p.Arg249Thr (NM_022874.2); c.835-491G>C (NM_001297715.1); short protein forms R281T, R249T.
Identifiers: ClinVar variation 632986 (VCV000632986.6), dbSNP rs1561503124, ClinGen allele CA360098161.

ClinVar aggregate classification (germline): Uncertain significance (1 of 4 stars; one submission).

Submission:

Women's Health and Genetics/Laboratory Corporation of America, LabCorp
Classification: Uncertain significance. Last evaluated: 2026-03-18. Review status: criteria provided, single submitter. Criteria: LabCorp Variant Classification Summary - May 2015. Collection method: clinical testing. Allele origin: germline.
Comment: Variant summary: SMN1 c.842G>C (p.Arg281Thr) results in a non-conservative amino acid change located in the survival motor neuron protein, C-terminal oligomerization domain (IPR047313) of the encoded protein sequence. Algorithms developed to predict the effect of missense changes on protein structure and function are either unavailable or do not agree on the potential impact of this missense change. The variant was absent in 248332 control chromosomes (gnomAD). The available data on variant occurrences in the general population are insufficient to allow any conclusion about variant significance. To our knowledge, no occurrence of c.842G>C in individuals affected with Spinal Muscular Atrophy and no experimental evidence demonstrating its impact on protein function have been reported. The following publications have been ascertained in the context of this evaluation (PMID: 39062735, 29758563, 23022347). ClinVar contains an entry for this variant (Variation ID: 632986). Based on the evidence outlined above, the variant was classified as uncertain significance.

Literature cited by the submitters: PubMed 29758563; PubMed 23022347; PubMed 39062735.